The following is an entry in ClinVar:

ClinVar aggregate classification (germline): Uncertain significance (1 of 4 stars; one submission).

Conditions:
Catecholaminergic polymorphic ventricular tachycardia (CVPT). Also called: Catecholamine-induced polymorphic ventricular tachycardia. Identifiers: Orphanet 3286, MedGen C5574922, MONDO:0017990.

Submission:

All of Us Research Program, National Institutes of Health
Classification: Uncertain significance for Catecholaminergic polymorphic ventricular tachycardia. Last evaluated: 2023-09-17. Review status: criteria provided, single submitter. Criteria: ACMG Guidelines, 2015. Collection method: clinical testing. Allele origin: germline. Inheritance: Autosomal dominant inheritance. Observed: 1 variant allele, 1 heterozygote.
Comment: This missense variant replaces aspartic acid with glutamic acid at codon 3 of the RYR2 protein. Computational prediction suggests that this variant may not impact protein structure and function (internally defined REVEL score threshold <= 0.5, PMID: 27666373). To our knowledge, functional studies have not been reported for this variant. This variant has not been reported in individuals affected with RYR2-related disorders in the literature. This variant has not been identified in the general population by the Genome Aggregation Database (gnomAD). The available evidence is insufficient to determine the role of this variant in disease conclusively. Therefore, this variant is classified as a Variant of Uncertain Significance.

This study involves interpretation of variants in research participants for the purpose of population health screening. Participant phenotype was not available at the time of variant classification. Additional details can be found in publication PMID: 35346344, PMCID: PMC8962531

NM_001035.3(RYR2):c.9T>G (p.Asp3Glu)

Gene: RYR2 (ryanodine receptor 2; plus strand). Cytogenetic location: 1q43.
Variant type: single nucleotide variant.
Coding change: c.9T>G on transcript NM_001035.3 (MANE Select); coding-DNA position 9, T replaced by G.
Protein change: p.Asp3Glu; replaces aspartic acid 3 with glutamic acid.
Molecular consequence: missense variant.
Genome position (GRCh38, 1-based): chr1:237,042,530, T>G. VCF-style: chr1-237042530-T-G. GRCh37 (hg19) VCF-style: chr1-237205830-T-G.
Other names: short protein forms D3E.
Identifiers: ClinVar variation 3073503 (VCV003073503.1), dbSNP rs2527003204, ClinGen allele CA345654155.
Genomic context (GRCh38, chr1:237,042,530, plus strand): 5'-CGCCGAGCTCCGCGGGGCTCGGGAGCCGGCCCCGGCGAGGAGGCGCGGAACCATGGCCGA[T>G]GGGGGCGAGGGCGAAGACGAGATCCAGTTCCTGCGAACTGTAAGCGCCGTGCGTCGCGTG-3'
Protein context (NP_001026.2, residues 1-13): MA[Asp3Glu]GGEGEDEIQF